The following is an entry in ClinVar:

ClinVar aggregate classification (germline): Uncertain significance (1 of 4 stars; one submission).

Conditions:
Vici syndrome (VICIS). Identifiers: Orphanet 1493, MedGen C1855772, MONDO:0009452, OMIM 242840.

Allele frequency attached by ClinVar (database versions not stated): ExAC 0.00001; gnomAD 0.00001; gnomAD exomes 0.00001 and below 0.00001; 1000 Genomes Project 30x 0.00016; 1000 Genomes Project 0.00020; TOPMed below 0.00001.
gnomAD v4.1: 12 of 1,614,218 alleles (0.00074%); highest among the groups gnomAD compares: East Asian, 0.0022%; no homozygotes.

Submission:

Labcorp Genetics (formerly Invitae), Labcorp
Classification: Uncertain significance for Vici syndrome. Last evaluated: 2022-05-30. Review status: criteria provided, single submitter. Criteria: Invitae Variant Classification Sherloc (09022015). Collection method: clinical testing. Allele origin: germline.
Comment: This sequence change replaces serine, which is neutral and polar, with asparagine, which is neutral and polar, at codon 1211 of the EPG5 protein (p.Ser1211Asn). This variant is present in population databases (rs571987859, gnomAD 0.0009%). This variant has not been reported in the literature in individuals affected with EPG5-related conditions. ClinVar contains an entry for this variant (Variation ID: 839573). Algorithms developed to predict the effect of missense changes on protein structure and function output the following: SIFT: "Tolerated"; PolyPhen-2: "Benign"; Align-GVGD: "Class C0". The asparagine amino acid residue is found in multiple mammalian species, which suggests that this missense change does not adversely affect protein function. In summary, the available evidence is currently insufficient to determine the role of this variant in disease. Therefore, it has been classified as a Variant of Uncertain Significance.

NM_020964.3(EPG5):c.3632G>A (p.Ser1211Asn)

Gene: EPG5 (ectopic P-granules 5 autophagy tethering factor; minus strand). Cytogenetic location: 18q21.1.
Variant type: single nucleotide variant.
Coding change: c.3632G>A on transcript NM_020964.3 (MANE Select); coding-DNA position 3632, G replaced by A.
Protein change: p.Ser1211Asn; replaces serine 1211 with asparagine.
Molecular consequence: missense variant.
Genome position (GRCh38, 1-based): chr18:45,915,572, C>T on the plus strand (G>A on the coding strand, the complement: EPG5 is on the minus strand). VCF-style: chr18-45915572-C-T. GRCh37 (hg19) VCF-style: chr18-43495537-C-T.
Other names: short protein forms S1211N.
Identifiers: ClinVar variation 839573 (VCV000839573.8), dbSNP rs571987859, ClinGen allele CA8949113.